The following is an entry in ClinVar:

NM_015662.3(IFT172):c.4179C>G (p.Asp1393Glu)

Gene: IFT172 (intraflagellar transport 172; minus strand). Cytogenetic location: 2p23.3.
Variant type: single nucleotide variant.
Coding change: c.4179C>G on transcript NM_015662.3 (MANE Select); coding-DNA position 4179, C replaced by G.
Protein change: p.Asp1393Glu; replaces aspartic acid 1393 with glutamic acid.
Molecular consequence: missense variant.
Genome position (GRCh38, 1-based): chr2:27,449,544, G>C on the plus strand (C>G on the coding strand, the complement: IFT172 is on the minus strand). VCF-style: chr2-27449544-G-C. GRCh37 (hg19) VCF-style: chr2-27672411-G-C.
Other names: c.4113C>G, p.Asp1371Glu (NM_001410739.1); short protein forms D1371E, D1393E.
Identifiers: ClinVar variation 2162831 (VCV002162831.1), dbSNP rs767682929, ClinGen allele CA1579692.
Genomic context (GRCh38, chr2:27,449,544, plus strand): 5'-CTCTCCAAGTCTCACCGAGTCCACTTTGCCCTGATTCTTGAGGAACTCTTTATAATGCTG[G>C]TCCACATAGTCTTCATACCTGTGAAGATGTTCAGAGAGCTCCATCTTCATGTTCCAGAAT-3'
Protein context (NP_056477.1, residues 1383-1403): ELDPRYEDYV[Asp1393Glu]QHYKEFLKNQ

ClinVar aggregate classification (germline): Uncertain significance (1 of 4 stars; one submission).

Conditions:
Retinitis pigmentosa 71 (RP71). Identifiers: Orphanet 791, MedGen C4225342, MONDO:0014618, OMIM 616394.
Short-rib thoracic dysplasia 10 with or without polydactyly (SRTD10). Identifiers: Orphanet 474, MedGen C3810175, MONDO:0014284, OMIM 615630.

Allele frequency attached by ClinVar (database versions not stated): gnomAD exomes below 0.00001; TOPMed below 0.00001; ExAC 0.00001.
gnomAD v4.1: 1 of 1,614,070 alleles (0.000062%); highest among the groups gnomAD compares: Non-Finnish European, 0.000085%; no homozygotes.

Submission:

Labcorp Genetics (formerly Invitae), Labcorp
Classification: Uncertain significance for Retinitis pigmentosa 71; Short-rib thoracic dysplasia 10 with or without polydactyly. Last evaluated: 2022-06-23. Review status: criteria provided, single submitter. Criteria: Invitae Variant Classification Sherloc (09022015). Collection method: clinical testing. Allele origin: germline.
Comment: This sequence change replaces aspartic acid, which is acidic and polar, with glutamic acid, which is acidic and polar, at codon 1393 of the IFT172 protein (p.Asp1393Glu). This variant is present in population databases (rs767682929, gnomAD 0.003%). This variant has not been reported in the literature in individuals affected with IFT172-related conditions. Algorithms developed to predict the effect of missense changes on protein structure and function (SIFT, PolyPhen-2, Align-GVGD) all suggest that this variant is likely to be tolerated. In summary, the available evidence is currently insufficient to determine the role of this variant in disease. Therefore, it has been classified as a Variant of Uncertain Significance.